The following is an entry in ClinVar:

NM_000540.3(RYR1):c.7393G>A (p.Asp2465Asn)

Gene: RYR1 (ryanodine receptor 1; plus strand). Cytogenetic location: 19q13.2.
Variant type: single nucleotide variant.
Coding change: c.7393G>A on transcript NM_000540.3 (MANE Select); coding-DNA position 7393, G replaced by A.
Protein change: p.Asp2465Asn; replaces aspartic acid 2465 with asparagine.
Molecular consequence: missense variant.
Genome position (GRCh38, 1-based): chr19:38,500,675, G>A. VCF-style: chr19-38500675-G-A. GRCh37 (hg19) VCF-style: chr19-38991315-G-A.
Other names: c.7393G>A, p.Asp2465Asn (NM_001042723.2); short protein forms D2465N.
Identifiers: ClinVar variation 2435498 (VCV002435498.9), dbSNP rs756955433, ClinGen allele CA069589.

ClinVar aggregate classification (germline): Uncertain significance. Review status: criteria provided, multiple submitters, no conflicts (2 of 4 stars). 6 submissions from 6 submitters: Uncertain significance (6). Last evaluated 2025-08-28.

Conditions:
Malignant hyperthermia, susceptibility to, 1 (MHS1). Also called: Malignant hyperthermia suceptibility 1; RYR1-Related Malignant Hyperthermia Susceptibility; Anesthesia related hyperthermia; Malignant hyperpyrexia; Fulminating hyperpyrexia; Pharmacogenic myopathy. Identifiers: Orphanet 423, MedGen C2930980, MONDO:0007783, OMIM 145600.
RYR1-related disorder. Also called: RYR1-related disorders; RYR1-related condition. Identifiers: MedGen CN239331.

Allele frequency attached by ClinVar (database versions not stated): TOPMed below 0.00001; ExAC 0.00001; gnomAD exomes 0.00001.
gnomAD v4.1: 3 of 1,614,102 alleles (0.00019%); highest among the groups gnomAD compares: Admixed American, 0.0017%; no homozygotes.

Submissions (6):

Labcorp Genetics (formerly Invitae), Labcorp
Classification: Uncertain significance for RYR1-related disorder. Last evaluated: 2025-08-28. Review status: criteria provided, single submitter. Criteria: Invitae Variant Classification Sherloc (09022015). Collection method: clinical testing. Allele origin: germline.
Comment: This sequence change replaces aspartic acid, which is acidic and polar, with asparagine, which is neutral and polar, at codon 2465 of the RYR1 protein (p.Asp2465Asn). This variant is present in population databases (rs756955433, gnomAD 0.0009%). This variant has not been reported in the literature in individuals affected with RYR1-related conditions. ClinVar contains an entry for this variant (Variation ID: 2435498). Invitae Evidence Modeling of protein sequence and biophysical properties (such as structural, functional, and spatial information, amino acid conservation, physicochemical variation, residue mobility, and thermodynamic stability) indicates that this missense variant is expected to disrupt RYR1 protein function with a positive predictive value of 80%. In summary, the available evidence is currently insufficient to determine the role of this variant in disease. Therefore, it has been classified as a Variant of Uncertain Significance.

Blueprint Genetics
Classification: Uncertain significance. Last evaluated: 2024-07-18. Review status: criteria provided, single submitter. Criteria: ACMG Guidelines, 2015. Collection method: clinical testing. Allele origin: germline.

GeneDx
Classification: Uncertain significance. Last evaluated: 2024-03-14. Review status: criteria provided, single submitter. Criteria: GeneDx Variant Classification Process June 2021. Collection method: clinical testing. Allele origin: germline. Affected: yes.
Comment: Not observed at significant frequency in large population cohorts (gnomAD); In silico analysis supports that this missense variant has a deleterious effect on protein structure/function; Has not been previously published as pathogenic or benign to our knowledge

All of Us Research Program, National Institutes of Health
Classification: Uncertain significance for Malignant hyperthermia, susceptibility to, 1. Last evaluated: 2024-02-22. Review status: criteria provided, single submitter. Criteria: ACMG Guidelines, 2015. Collection method: clinical testing. Allele origin: germline. Inheritance: Autosomal dominant inheritance. Observed: 2 variant alleles, 2 heterozygotes.
Comment: This missense variant replaces aspartic acid with asparagine at codon 2465 of the RYR1 protein. Computational prediction suggests that this variant may have deleterious impact on protein structure and function (internally defined REVEL score threshold >= 0.7, PMID: 27666373). To our knowledge, functional studies have not been reported for this variant. This variant has not been reported in individuals affected with RYR1-related disorders in the literature. This variant has been identified in 2/251242 chromosomes in the general population by the Genome Aggregation Database (gnomAD). The available evidence is insufficient to determine the role of this variant in disease conclusively. Therefore, this variant is classified as a Variant of Uncertain Significance.

This study involves interpretation of variants in research participants for the purpose of population health screening. Participant phenotype was not available at the time of variant classification. Additional details can be found in publication PMID: 35346344, PMCID: PMC8962531

Color Diagnostics, LLC DBA Color Health
Classification: Uncertain significance for Malignant hyperthermia, susceptibility to, 1. Last evaluated: 2024-02-06. Review status: criteria provided, single submitter. Criteria: ACMG Guidelines, 2015. Collection method: clinical testing. Allele origin: germline.
Comment: This missense variant replaces aspartic acid with asparagine at codon 2465 of the RYR1 protein. Computational prediction suggests that this variant may have deleterious impact on protein structure and function. To our knowledge, functional studies have not been reported for this variant. This variant has not been reported in individuals affected with RYR1-related disorders in the literature. This variant has been identified in 2/251242 chromosomes in the general population by the Genome Aggregation Database (gnomAD). The available evidence is insufficient to determine the role of this variant in disease conclusively. Therefore, this variant is classified as a Variant of Uncertain Significance.

Revvity Omics, Revvity
Classification: Uncertain significance. Last evaluated: 2019-06-26. Review status: criteria provided, single submitter. Criteria: ACMG Guidelines, 2015. Collection method: clinical testing. Allele origin: germline.